The following is an entry in ClinVar:

ClinVar aggregate classification (germline): Likely benign. Review status: criteria provided, multiple submitters, no conflicts (2 of 4 stars). 2 submissions from 2 submitters: Likely benign (2). Last evaluated 2018-01-12.

Conditions:
Maturity-onset diabetes of the young type 6 (MODY6). Identifiers: Orphanet 552, MedGen C1853371, MONDO:0011668, OMIM 606394.

Allele frequency attached by ClinVar (database versions not stated): 1000 Genomes Project 30x 0.00297; gnomAD 0.00315 and 0.00322; 1000 Genomes Project 0.00319; TOPMed 0.00347; gnomAD exomes 0.00486.

Submissions (2):

Illumina Laboratory Services, Illumina
Classification: Likely benign for Maturity-onset diabetes of the young type 6. Last evaluated: 2018-01-12. Review status: criteria provided, single submitter. Criteria: ICSL Variant Classification Criteria 13 December 2019. Collection method: clinical testing. Allele origin: germline.
Comment: This variant was observed in the ICSL laboratory as part of a predisposition screen in an ostensibly healthy population. It had not been previously curated by ICSL or reported in the Human Gene Mutation Database (HGMD: prior to June 1st, 2018), and was therefore a candidate for classification through an automated scoring system. Utilizing variant allele frequency, disease prevalence and penetrance estimates, and inheritance mode, an automated score was calculated to assess if this variant is too frequent to cause the disease. Based on the score and internal cut-off values, a variant classified as likely benign is not then subjected to further curation. The score for this variant resulted in a classification of likely benign for this disease.

Breakthrough Genomics
Classification: Likely benign. Review status: criteria provided, single submitter. Criteria: ACMG Guidelines, 2015. Collection method: not provided. Allele origin: germline. Inheritance: Autosomal dominant inheritance. Affected: yes.

NM_002500.5(NEUROD1):c.*78C>T

Gene: NEUROD1 (neuronal differentiation 1; minus strand). Cytogenetic location: 2q31.3.
Variant type: single nucleotide variant.
Coding change: c.*78C>T on transcript NM_002500.5 (MANE Select); 78 bases downstream of the stop codon, C replaced by T.
Molecular consequence: 3 prime UTR variant.
Genome position (GRCh38, 1-based): chr2:181,677,712, G>A on the plus strand (C>T on the coding strand, the complement: NEUROD1 is on the minus strand). VCF-style: chr2-181677712-G-A. GRCh37 (hg19) VCF-style: chr2-182542439-G-A.
Identifiers: ClinVar variation 333035 (VCV000333035.6), dbSNP rs41270211, ClinGen allele CA10611745.